The following is an entry in ClinVar:

NM_032380.5(GFM2):c.32G>A (p.Ser11Asn)

Gene: GFM2 (GTP dependent ribosome recycling factor mitochondrial 2; minus strand). Cytogenetic location: 5q13.3.
Variant type: single nucleotide variant.
Coding change: c.32G>A on transcript NM_032380.5 (MANE Select); coding-DNA position 32, G replaced by A.
Protein change: p.Ser11Asn; replaces serine 11 with asparagine.
Molecular consequence: missense variant. On other transcripts: non-coding transcript variant (1).
Genome position (GRCh38, 1-based): chr5:74,763,711, C>T on the plus strand (G>A on the coding strand, the complement: GFM2 is on the minus strand). VCF-style: chr5-74763711-C-T. GRCh37 (hg19) VCF-style: chr5-74059536-C-T.
Other names: c.128G>A, p.Ser43Asn (NM_001281302.2); c.32G>A, p.Ser11Asn (NM_170681.3, NM_170691.3); short protein forms S11N, S43N.
Identifiers: ClinVar variation 3679975 (VCV003679975.2).

ClinVar aggregate classification (germline): Uncertain significance (1 of 4 stars; one submission).

Submission:

Labcorp Genetics (formerly Invitae), Labcorp
Classification: Uncertain significance. Last evaluated: 2024-03-28. Review status: criteria provided, single submitter. Criteria: Invitae Variant Classification Sherloc (09022015). Collection method: clinical testing. Allele origin: germline.
Comment: This sequence change replaces serine, which is neutral and polar, with asparagine, which is neutral and polar, at codon 11 of the GFM2 protein (p.Ser11Asn). This variant is not present in population databases (gnomAD no frequency). This variant has not been reported in the literature in individuals affected with GFM2-related conditions. Algorithms developed to predict the effect of missense changes on protein structure and function output the following: SIFT: "Not Available"; PolyPhen-2: "Benign"; Align-GVGD: "Not Available". The asparagine amino acid residue is found in multiple mammalian species, which suggests that this missense change does not adversely affect protein function. In summary, the available evidence is currently insufficient to determine the role of this variant in disease. Therefore, it has been classified as a Variant of Uncertain Significance.